The following is an entry in ClinVar:

NM_030928.4(CDT1):c.1552G>A (p.Asp518Asn)

Gene: CDT1 (chromatin licensing and DNA replication factor 1; plus strand). Cytogenetic location: 16q24.3.
Variant type: single nucleotide variant.
Coding change: c.1552G>A on transcript NM_030928.4 (MANE Select); coding-DNA position 1552, G replaced by A.
Protein change: p.Asp518Asn; replaces aspartic acid 518 with asparagine.
Molecular consequence: missense variant.
Genome position (GRCh38, 1-based): chr16:88,808,189, G>A. VCF-style: chr16-88808189-G-A. GRCh37 (hg19) VCF-style: chr16-88874597-G-A.
Other names: short protein forms D518N.
Identifiers: ClinVar variation 434679 (VCV000434679.14), dbSNP rs751315293, ClinGen allele CA8234234.

ClinVar aggregate classification (germline): Uncertain significance. Review status: criteria provided, multiple submitters, no conflicts (2 of 4 stars). 3 submissions from 3 submitters: Uncertain significance (3). Last evaluated 2024-07-09.

Conditions:
Inborn genetic diseases. Identifiers: MedGen C0950123, MeSH D030342.

Allele frequency attached by ClinVar (database versions not stated): TOPMed 0.00002; gnomAD 0.00003 and 0.00004.
gnomAD v4.1: 81 of 1,612,680 alleles (0.005%); highest among the groups gnomAD compares: Middle Eastern, 0.033%; no homozygotes.

Submissions (3):

Ambry Genetics
Classification: Uncertain significance for Inborn genetic diseases. Last evaluated: 2024-07-09. Review status: criteria provided, single submitter. Criteria: Ambry Variant Classification Scheme 2023. Collection method: clinical testing. Allele origin: germline.

Labcorp Genetics (formerly Invitae), Labcorp
Classification: Uncertain significance. Last evaluated: 2020-09-21. Review status: criteria provided, single submitter. Criteria: Invitae Variant Classification Sherloc (09022015). Collection method: clinical testing. Allele origin: germline.
Comment: In summary, the available evidence is currently insufficient to determine the role of this variant in disease. Therefore, it has been classified as a Variant of Uncertain Significance. Algorithms developed to predict the effect of missense changes on protein structure and function (SIFT, PolyPhen-2, Align-GVGD) all suggest that this variant is likely to be tolerated, but these predictions have not been confirmed by published functional studies and their clinical significance is uncertain. This variant has not been reported in the literature in individuals with CDT1-related conditions. ClinVar contains an entry for this variant (Variation ID: 434679). This variant is present in population databases (rs751315293, ExAC 0.06%). This sequence change replaces aspartic acid with asparagine at codon 518 of the CDT1 protein (p.Asp518Asn). The aspartic acid residue is moderately conserved and there is a small physicochemical difference between aspartic acid and asparagine.

Genetic Services Laboratory, University of Chicago
Classification: Uncertain significance. Last evaluated: 2016-05-09. Review status: criteria provided, single submitter. Criteria: ACMG Guidelines, 2015. Collection method: clinical testing. Allele origin: germline. Affected: no.